The following is an entry in ClinVar:

ClinVar aggregate classification (germline): Uncertain significance (1 of 4 stars; one submission).

Allele frequency attached by ClinVar (database versions not stated): gnomAD exomes below 0.00001; TOPMed 0.00001.
gnomAD v4.1: 4 of 1,614,200 alleles (0.00025%); highest among the groups gnomAD compares: Non-Finnish European, 0.00034%; no homozygotes.

Submission:

GeneDx
Classification: Uncertain significance. Last evaluated: 2024-07-23. Review status: criteria provided, single submitter. Criteria: GeneDx Variant Classification Process June 2021. Collection method: clinical testing. Allele origin: germline. Affected: yes.
Comment: Not observed at significant frequency in large population cohorts (gnomAD); In silico analysis supports that this missense variant has a deleterious effect on protein structure/function; Has not been previously published as pathogenic or benign to our knowledge

NM_004958.4(MTOR):c.5849G>T (p.Arg1950Ile)

Gene: MTOR (mechanistic target of rapamycin kinase; minus strand). Cytogenetic location: 1p36.22.
Variant type: single nucleotide variant.
Coding change: c.5849G>T on transcript NM_004958.4 (MANE Select); coding-DNA position 5849, G replaced by T.
Protein change: p.Arg1950Ile; replaces arginine 1950 with isoleucine.
Molecular consequence: missense variant.
Genome position (GRCh38, 1-based): chr1:11,128,515, C>A on the plus strand (G>T on the coding strand, the complement: MTOR is on the minus strand). VCF-style: chr1-11128515-C-A. GRCh37 (hg19) VCF-style: chr1-11188572-C-A.
Other names: c.5849G>T, p.Arg1950Ile (NM_001386500.1); c.4601G>T, p.Arg1534Ile (NM_001386501.1); short protein forms R1534I, R1950I.
Identifiers: ClinVar variation 1308088 (VCV001308088.3), dbSNP rs1052713389, ClinGen allele CA17942157.